The following is an entry in ClinVar:

NM_000275.3(OCA2):c.988C>T (p.Gln330Ter)

Gene: OCA2 (OCA2 melanosomal transmembrane protein; minus strand). Cytogenetic location: 15q13.1.
Variant type: single nucleotide variant.
Coding change: c.988C>T on transcript NM_000275.3 (MANE Select); coding-DNA position 988, C replaced by T.
Protein change: p.Gln330Ter; replaces glutamine 330 with a stop codon.
Molecular consequence: nonsense.
Genome position (GRCh38, 1-based): chr15:28,014,832, G>A on the plus strand (C>T on the coding strand, the complement: OCA2 is on the minus strand). VCF-style: chr15-28014832-G-A. GRCh37 (hg19) VCF-style: chr15-28259978-G-A.
Other names: c.988C>T, p.Gln330Ter (NM_001300984.2); short protein forms Q330*.
Identifiers: ClinVar variation 3576939 (VCV003576939.2).

ClinVar aggregate classification (germline): Pathogenic/Likely pathogenic. Review status: criteria provided, multiple submitters, no conflicts (2 of 4 stars). 2 submissions from 2 submitters: Pathogenic (1); Likely pathogenic (1). Last evaluated 2025-12-08.

Conditions:
Tyrosinase-positive oculocutaneous albinism (OCA2). Also called: Albinism, oculocutaneous, type II; ALBINISM II; Oculocutaneous albinism type 2. Identifiers: Orphanet 79432, MedGen C0268495, MONDO:0008746, OMIM 203200.
SKIN/HAIR/EYE PIGMENTATION 1, BLUE/NONBLUE EYES (SHEP1). Also called: SKIN/HAIR/EYE PIGMENTATION 1, BLOND/BROWN HAIR; SKIN/HAIR/EYE PIGMENTATION 1, BLUE/BROWN EYES; BROWN EYE COLOR 2; EYE COLOR 3; EYE COLOR, BLUE/NONBLUE; EYE COLOR, BROWN/BLUE. Identifiers: MedGen C1856895, OMIM 227220.

Submissions (2):

Myriad Genetics, Inc.
Classification: Pathogenic for Tyrosinase-positive oculocutaneous albinism. Last evaluated: 2025-12-08. Review status: criteria provided, single submitter. Criteria: Myriad Autosomal Dominant, Autosomal Recessive and X-Linked Classification Criteria (2023). Collection method: clinical testing. Allele origin: unknown.
Comment: NM_000275.2(OCA2):c.988C>T(Q330*) is expected to be pathogenic in the context of oculocutaneous albinism, OCA2-related. This variant is predicted to lead to an abnormal or absent protein product due to the creation of a premature termination codon in OCA2, a gene where loss-of-function variants are known to be pathogenic. Please note: this variant was assessed in the context of healthy population screening.

Fulgent Genetics
Classification: Likely pathogenic for Tyrosinase-positive oculocutaneous albinism; SKIN/HAIR/EYE PIGMENTATION 1, BLUE/NONBLUE EYES. Last evaluated: 2024-03-06. Review status: criteria provided, single submitter. Criteria: ACMG Guidelines, 2015. Collection method: clinical testing. Allele origin: germline.